The following is an entry in ClinVar:

NM_001375883.1(GPR161):c.1381_1382del (p.Ser461fs)

Gene: GPR161 (G protein-coupled receptor 161; minus strand). Cytogenetic location: 1q24.2.
Variant type: Deletion.
Coding change: c.1381_1382del on transcript NM_001375883.1 (MANE Select); coding-DNA positions 1381 to 1382, 2 bases deleted (AG; older notation c.1381_1382delAG).
Protein change: p.Ser461fs; shifts the reading frame from serine 461.
Molecular consequence: frameshift variant.
Genome position (GRCh38, 1-based): chr1:168,085,739-168,085,740, CT deleted on the plus strand (AG on the coding strand, the reverse complement: GPR161 is on the minus strand). VCF-style (leftmost placement, unchanged base first): chr1-168085738-ACT-A. GRCh37 (hg19) VCF-style: chr1-168054976-ACT-A.
Other names: c.1441_1442del, p.Ser481fs (NM_001267609.1); c.1381_1382del, p.Ser461fs (NM_001267610.2, NM_001349632.1, NM_001349633.1 and 5 more transcripts); c.1432_1433del, p.Ser478fs (NM_001267611.1); c.985_986del, p.Ser329fs (NM_001267612.2, NM_001349635.1); c.1147_1148del, p.Ser383fs (NM_001267613.1); c.1039_1040del, p.Ser347fs (NM_001267614.1); short protein forms S329fs, S347fs, S383fs, S481fs, S461fs, S478fs.
Identifiers: ClinVar variation 3631906 (VCV003631906.2).

ClinVar aggregate classification (germline): Uncertain significance (1 of 4 stars; one submission).

Submission:

Labcorp Genetics (formerly Invitae), Labcorp
Classification: Uncertain significance. Last evaluated: 2024-07-26. Review status: criteria provided, single submitter. Criteria: Invitae Variant Classification Sherloc (09022015). Collection method: clinical testing. Allele origin: germline.
Comment: This sequence change creates a premature translational stop signal (p.Ser481Leufs*10) in the GPR161 gene. While this is not anticipated to result in nonsense mediated decay, it is expected to disrupt the last 69 amino acid(s) of the GPR161 protein. This variant is not present in population databases (gnomAD no frequency). This variant has not been reported in the literature in individuals affected with GPR161-related conditions. Experimental studies and prediction algorithms are not available or were not evaluated, and the functional significance of this variant is currently unknown. In summary, the available evidence is currently insufficient to determine the role of this variant in disease. Therefore, it has been classified as a Variant of Uncertain Significance.